The following is an entry in ClinVar:

NM_000334.4(SCN4A):c.2107C>A (p.Leu703Met)

Genes: GH-LCR (growth hormone locus control region; plus strand), SCN4A (sodium voltage-gated channel alpha subunit 4; minus strand). Cytogenetic location: 17q23.3.
Variant type: single nucleotide variant.
Coding change: c.2107C>A on transcript NM_000334.4 (MANE Select); coding-DNA position 2107, C replaced by A.
Protein change: p.Leu703Met; replaces leucine 703 with methionine.
Molecular consequence: missense variant.
Genome position (GRCh38, 1-based): chr17:63,957,431, G>T on the plus strand (C>A on the coding strand, the complement: SCN4A is on the minus strand). VCF-style: chr17-63957431-G-T. GRCh37 (hg19) VCF-style: chr17-62034791-G-T.
Other names: short protein forms L703M.
Identifiers: ClinVar variation 5017200 (VCV005017200.1).

ClinVar aggregate classification (germline): Uncertain significance (1 of 4 stars; one submission).

Submission:

GeneDx
Classification: Uncertain significance. Last evaluated: 2026-03-25. Review status: criteria provided, single submitter. Criteria: GeneDx Variant Classification Process June 2021. Collection method: clinical testing. Allele origin: germline.
Comment: Not observed at significant frequency in large population cohorts (gnomAD); In silico analysis suggests that this missense variant does not alter protein structure/function; Has not been previously published as pathogenic or benign to our knowledge